The following is an entry in ClinVar:

ClinVar aggregate classification (germline): Likely benign. Review status: criteria provided, multiple submitters, no conflicts (2 of 4 stars). 2 submissions from 2 submitters: Likely benign (2). Last evaluated 2025-11-11.

Conditions:
TTC21B-related disorder. Also called: TTC21B-related condition; TTC21B-related disorders.
Nephronophthisis. Also called: Juvenile Nephronophthisis. Identifiers: Orphanet 655, MedGen C0687120, MONDO:0019005, HP:0000090.
Jeune thoracic dystrophy. Also called: Infantile thoracic dystrophy; Thoracic pelvic phalangeal dystrophy; Jeune's syndrome; Chondroectodermal dysplasia-like syndrome; Jeune syndrome; Short-rib thoracic dysplasia. Identifiers: Orphanet 474, MedGen C0265275, MONDO:0018770.

Allele frequency attached by ClinVar (database versions not stated): gnomAD 0.00001.
gnomAD v4.1: 1 of 1,613,634 alleles (0.000062%); highest among the groups gnomAD compares: Admixed American, 0.0017%; no homozygotes.

Submissions (2):

PreventionGenetics, part of Exact Sciences
Classification: Likely benign for TTC21B-related condition. Last evaluated: 2025-11-11. Review status: criteria provided, single submitter. Criteria: ACMG Guidelines, 2015. Collection method: clinical testing. Allele origin: germline.
Comment: This variant is classified as likely benign based on ACMG/AMP sequence variant interpretation guidelines (Richards et al. 2015 PMID: 25741868, with internal and published modifications).

Labcorp Genetics (formerly Invitae), Labcorp
Classification: Likely benign for Jeune thoracic dystrophy; Nephronophthisis. Last evaluated: 2017-02-28. Review status: criteria provided, single submitter. Criteria: Invitae Variant Classification Sherloc (09022015). Collection method: clinical testing. Allele origin: germline.

NM_024753.5(TTC21B):c.3114A>G (p.Glu1038=)

Gene: TTC21B (tetratricopeptide repeat domain 21B; minus strand). Cytogenetic location: 2q24.3.
Variant type: single nucleotide variant.
Coding change: c.3114A>G on transcript NM_024753.5 (MANE Select); coding-DNA position 3114, A replaced by G.
Protein change: p.Glu1038=; no amino-acid change (glutamic acid 1038 retained).
Molecular consequence: synonymous variant.
Genome position (GRCh38, 1-based): chr2:165,890,628, T>C on the plus strand (A>G on the coding strand, the complement: TTC21B is on the minus strand). VCF-style: chr2-165890628-T-C. GRCh37 (hg19) VCF-style: chr2-166747138-T-C.
Identifiers: ClinVar variation 459289 (VCV000459289.9), dbSNP rs1436732135, ClinGen allele CA429974399.